The following is an entry in ClinVar:

NM_012330.4(KAT6B):c.6187A>G (p.Lys2063Glu)

Gene: KAT6B (lysine acetyltransferase 6B; plus strand). Cytogenetic location: 10q22.2.
Variant type: single nucleotide variant.
Coding change: c.6187A>G on transcript NM_012330.4 (MANE Select); coding-DNA position 6187, A replaced by G.
Protein change: p.Lys2063Glu; replaces lysine 2063 with glutamic acid.
Molecular consequence: missense variant.
Genome position (GRCh38, 1-based): chr10:75,031,011, A>G. VCF-style: chr10-75031011-A-G. GRCh37 (hg19) VCF-style: chr10-76790769-A-G.
Other names: c.5638A>G, p.Lys1880Glu (NM_001256468.2, NM_001370138.1); c.5311A>G, p.Lys1771Glu (NM_001256469.2, NM_001370139.1, NM_001370140.1 and 2 more transcripts); c.5149A>G, p.Lys1717Glu (NM_001370132.1); c.4498A>G, p.Lys1500Glu (NM_001370133.1); c.4102A>G, p.Lys1368Glu (NM_001370134.1); c.3844A>G, p.Lys1282Glu (NM_001370135.1); c.6187A>G, p.Lys2063Glu (NM_001370136.1, NM_001370137.1); c.5122A>G, p.Lys1708Glu (NM_001370143.1, NM_001370144.1); short protein forms K1282E, K1368E, K1500E, K1708E, K1717E, K1771E, K1880E, K2063E.
Identifiers: ClinVar variation 3252548 (VCV003252548.1), dbSNP rs773473193.

ClinVar aggregate classification (germline): Uncertain significance (1 of 4 stars; one submission).

gnomAD v4.1: 1 of 1,614,192 alleles (0.000062%); highest among the groups gnomAD compares: Non-Finnish European, 0.000085%; no homozygotes.

Submission:

GeneDx
Classification: Uncertain significance. Last evaluated: 2023-08-04. Review status: criteria provided, single submitter. Criteria: GeneDx Variant Classification Process June 2021. Collection method: clinical testing. Allele origin: germline. Affected: yes.
Comment: In silico analysis supports that this missense variant has a deleterious effect on protein structure/function; Has not been previously published as pathogenic or benign to our knowledge